The following is an entry in ClinVar:

ClinVar aggregate classification (germline): Pathogenic (1 of 4 stars; one submission).

Conditions:
Cataract 18 (CATC2). Also called: CATARACT 18, AUTOSOMAL RECESSIVE. Identifiers: Orphanet 91492, Orphanet 98991, Orphanet 98992, Orphanet 98995, MedGen C1864908, MONDO:0012395, OMIM 610019.

Submission:

Labcorp Genetics (formerly Invitae), Labcorp
Classification: Pathogenic for Cataract 18. Last evaluated: 2024-12-09. Review status: criteria provided, single submitter. Criteria: Invitae Variant Classification Sherloc (09022015). Collection method: clinical testing. Allele origin: germline.
Comment: This sequence change creates a premature translational stop signal (p.Leu830Serfs*3) in the FYCO1 gene. It is expected to result in an absent or disrupted protein product. Loss-of-function variants in FYCO1 are known to be pathogenic (PMID: 21636066). This variant is not present in population databases (gnomAD no frequency). This variant has not been reported in the literature in individuals affected with FYCO1-related conditions. For these reasons, this variant has been classified as Pathogenic.

Literature cited by the submitters: PubMed 21636066.

NM_024513.4(FYCO1):c.2483_2487dup (p.Leu830fs)

Gene: FYCO1 (FYVE and coiled-coil domain autophagy adaptor 1; minus strand). Cytogenetic location: 3p21.31.
Variant type: Duplication.
Coding change: c.2483_2487dup on transcript NM_024513.4 (MANE Select); coding-DNA positions 2483 to 2487, 5 bases duplicated (AGCAG; older notation c.2483_2487dupAGCAG).
Protein change: p.Leu830fs; shifts the reading frame from leucine 830.
Molecular consequence: frameshift variant. On other transcripts: non-coding transcript variant (1).
Genome position (GRCh38, 1-based): chr3:45,966,847-45,966,851, CTGCT duplicated on the plus strand (AGCAG on the coding strand, the reverse complement: FYCO1 is on the minus strand). VCF-style (leftmost placement, unchanged base first): chr3-45966846-G-GCTGCT. GRCh37 (hg19) VCF-style: chr3-46008338-G-GCTGCT.
Other names: c.2483_2487dup, p.Leu830fs (NM_001386421.1, NM_001386422.1, NM_001386423.1 and 4 more transcripts); c.2363_2367dup, p.Leu790fs (NM_001386426.1); c.2339_2343dup, p.Leu782fs (NM_001386427.1); c.1883_1887dup, p.Leu630fs (NM_001386430.1); short protein forms L630fs, L830fs, L782fs, L790fs.
Identifiers: ClinVar variation 3665660 (VCV003665660.2).